The following is an entry in ClinVar:

NM_177972.3(TUB):c.940A>G (p.Ile314Val)

Genes: RIC3 (RIC3 acetylcholine receptor chaperone; minus strand), TUB (TUB bipartite transcription factor; plus strand). Cytogenetic location: 11p15.4.
Variant type: single nucleotide variant.
Coding change: c.940A>G on transcript NM_177972.3 (MANE Select); coding-DNA position 940, A replaced by G.
Protein change: p.Ile314Val; replaces isoleucine 314 with valine.
Molecular consequence: missense variant.
Genome position (GRCh38, 1-based): chr11:8,097,768, A>G. VCF-style: chr11-8097768-A-G. GRCh37 (hg19) VCF-style: chr11-8119315-A-G.
Other names: c.958A>G, p.Ile320Val (NM_001440538.1, NM_001440539.1); c.790A>G, p.Ile264Val (NM_001440540.1, NM_001440542.1); c.772A>G, p.Ile258Val (NM_001440541.1); c.1105A>G, p.Ile369Val (NM_003320.5); short protein forms I369V, I264V, I314V, I320V, I258V.
Identifiers: ClinVar variation 4998054 (VCV004998054.1).

ClinVar aggregate classification (germline): Uncertain significance (1 of 4 stars; one submission).

Conditions:
TUB-related disorder. Also called: TUB-related condition.

Submission:

PreventionGenetics, part of Exact Sciences
Classification: Uncertain significance for TUB-related condition. Last evaluated: 2025-03-20. Review status: criteria provided, single submitter. Criteria: ACMG Guidelines, 2015. Collection method: clinical testing. Allele origin: germline.
Comment: The TUB c.1105A>G variant is predicted to result in the amino acid substitution p.Ile369Val. To our knowledge, this variant has not been reported in the literature or in a large population database (gnomAD), indicating this variant is rare. At this time, the clinical significance of this variant is uncertain due to the absence of conclusive functional and genetic evidence.